The following is an entry in ClinVar:

ClinVar aggregate classification (germline): Pathogenic (1 of 4 stars; one submission).

Conditions:
CEP290-related ciliopathy. Also called: CEP290 ciliopathy. Identifiers: MedGen CN305601, MONDO:0100451.

Submission:

Myriad Genetics, Inc.
Classification: Pathogenic for CEP290-related ciliopathy. Last evaluated: 2025-09-24. Review status: criteria provided, single submitter. Criteria: Myriad Autosomal Dominant, Autosomal Recessive and X-Linked Classification Criteria (2023). Collection method: clinical testing. Allele origin: unknown.
Comment: NM_025114.3(CEP290):c.1129G>T(E377*) is expected to be pathogenic in the context of CEP290-related disorders. This variant is predicted to lead to an abnormal or absent protein product due to the creation of a premature termination codon in CEP290, a gene where loss-of-function variants are known to be pathogenic. Please note: this variant was assessed in the context of healthy population screening.

NM_025114.4(CEP290):c.1129G>T (p.Glu377Ter)

Gene: CEP290 (centrosomal protein 290; minus strand). Cytogenetic location: 12q21.32.
Variant type: single nucleotide variant.
Coding change: c.1129G>T on transcript NM_025114.4 (MANE Select); coding-DNA position 1129, G replaced by T.
Protein change: p.Glu377Ter; replaces glutamic acid 377 with a stop codon.
Molecular consequence: nonsense.
Genome position (GRCh38, 1-based): chr12:88,125,306, C>A on the plus strand (G>T on the coding strand, the complement: CEP290 is on the minus strand). VCF-style: chr12-88125306-C-A. GRCh37 (hg19) VCF-style: chr12-88519083-C-A.
Other names: short protein forms E377*.
Identifiers: ClinVar variation 5015013 (VCV005015013.1).
Genomic context (GRCh38, chr12:88,125,306, plus strand): 5'-CTTTGTTTCTTTGGAGCTCATTTTTCAAATCTTCAATAATACAAGTATTCTTTTCCATTT[C>A]TTTTGTATATTGTTCTACTTGTTCGGTGAGCATCTTAATTTGACTGTCTCGTTCCTGTAT-3'